The following is an entry in ClinVar:

ClinVar aggregate classification (germline): Uncertain significance (1 of 4 stars; one submission).

gnomAD v4.1: 2 of 1,585,624 alleles (0.00013%); highest among the groups gnomAD compares: Non-Finnish European, 0.00017%; no homozygotes.

Submission:

Labcorp Genetics (formerly Invitae), Labcorp
Classification: Uncertain significance. Last evaluated: 2026-01-24. Review status: criteria provided, single submitter. Criteria: Invitae Variant Classification Sherloc (09022015). Collection method: clinical testing. Allele origin: germline.
Comment: This sequence change affects codon 572 of the THBD mRNA. It is a 'silent' change, meaning that it does not change the encoded amino acid sequence of the THBD protein. This variant is not present in population databases (gnomAD no frequency). This variant has not been reported in the literature in individuals affected with THBD-related conditions. In summary, the available evidence is currently insufficient to determine the role of this variant in disease. Therefore, it has been classified as a Variant of Uncertain Significance.

NM_000361.3(THBD):c.1716G>A (p.Pro572=)

Gene: THBD (thrombomodulin; minus strand). Cytogenetic location: 20p11.21.
Variant type: single nucleotide variant.
Coding change: c.1716G>A on transcript NM_000361.3 (MANE Select); coding-DNA position 1716, G replaced by A.
Protein change: p.Pro572=; no amino-acid change (proline 572 retained).
Molecular consequence: synonymous variant.
Genome position (GRCh38, 1-based): chr20:23,047,789, C>T on the plus strand (G>A on the coding strand, the complement: THBD is on the minus strand). VCF-style: chr20-23047789-C-T. GRCh37 (hg19) VCF-style: chr20-23028426-C-T.
Identifiers: ClinVar variation 4778025 (VCV004778025.1).